The following is an entry in ClinVar:

ClinVar aggregate classification (germline): Uncertain significance. Review status: criteria provided, multiple submitters, no conflicts (2 of 4 stars). 5 submissions from 4 submitters: Uncertain significance (5). Last evaluated 2024-05-23.

Conditions:
Retinitis pigmentosa (RP). Identifiers: Orphanet 791, MedGen C0035334, MeSH D012174, MONDO:0019200, OMIM 268000. Inheritance: Autosomal dominant, autosomal recessive and X linked inheritance.
Leber congenital amaurosis 4 (LCA4). Identifiers: MedGen C1858386, MONDO:0011458, OMIM 604393.

Allele frequency attached by ClinVar (database versions not stated): TOPMed 0.00006; ESP Exome Variant Server 0.00008; ExAC 0.00002; gnomAD 0.00006.
gnomAD v4.1: 82 of 1,614,092 alleles (0.0051%); highest among the groups gnomAD compares: Non-Finnish European, 0.0067%; no homozygotes.

Submissions (5):

Blueprint Genetics
Classification: Uncertain significance. Last evaluated: 2024-05-23. Review status: criteria provided, single submitter. Criteria: ACMG Guidelines, 2015. Collection method: clinical testing. Allele origin: germline.

Labcorp Genetics (formerly Invitae), Labcorp
Classification: Uncertain significance for Leber congenital amaurosis 4. Last evaluated: 2022-03-05. Review status: criteria provided, single submitter. Criteria: Invitae Variant Classification Sherloc (09022015). Collection method: clinical testing. Allele origin: germline.
Comment: This sequence change replaces leucine, which is neutral and non-polar, with phenylalanine, which is neutral and non-polar, at codon 188 of the AIPL1 protein (p.Leu188Phe). This variant is present in population databases (rs146153236, gnomAD 0.009%). This variant has not been reported in the literature in individuals affected with AIPL1-related conditions. ClinVar contains an entry for this variant (Variation ID: 808211). Algorithms developed to predict the effect of missense changes on protein structure and function are either unavailable or do not agree on the potential impact of this missense change (SIFT: "Tolerated"; PolyPhen-2: "Probably Damaging"; Align-GVGD: "Class C0"). In summary, the available evidence is currently insufficient to determine the role of this variant in disease. Therefore, it has been classified as a Variant of Uncertain Significance.

Illumina Laboratory Services, Illumina
Classification: Uncertain significance for Retinitis pigmentosa. Last evaluated: 2018-01-13. Review status: criteria provided, single submitter. Criteria: ICSL Variant Classification Criteria 13 December 2019. Collection method: clinical testing. Allele origin: germline.

Illumina Laboratory Services, Illumina
Classification: Uncertain significance for Leber congenital amaurosis 4. Last evaluated: 2018-01-13. Review status: criteria provided, single submitter. Criteria: ICSL Variant Classification Criteria 13 December 2019. Collection method: clinical testing. Allele origin: germline.

CeGaT Center for Human Genetics Tuebingen
Classification: Uncertain significance. Last evaluated: 2017-09-01. Review status: criteria provided, single submitter. Criteria: CeGaT Center For Human Genetics Tuebingen Variant Classification Criteria Version 2. Collection method: clinical testing. Allele origin: germline. Affected: yes. Observed: 1 variant allele.

NM_014336.5(AIPL1):c.562C>T (p.Leu188Phe)

Gene: AIPL1 (AIP like 1 HSP90 co-chaperone; minus strand). Cytogenetic location: 17p13.2.
Variant type: single nucleotide variant.
Coding change: c.562C>T on transcript NM_014336.5 (MANE Select); coding-DNA position 562, C replaced by T.
Protein change: p.Leu188Phe; replaces leucine 188 with phenylalanine.
Molecular consequence: missense variant.
Genome position (GRCh38, 1-based): chr17:6,426,961, G>A on the plus strand (C>T on the coding strand, the complement: AIPL1 is on the minus strand). VCF-style: chr17-6426961-G-A. GRCh37 (hg19) VCF-style: chr17-6330281-G-A.
Other names: c.373C>T, p.Leu125Phe (NM_001033054.3); c.382C>T, p.Leu128Phe (NM_001033055.3); c.526C>T, p.Leu176Phe (NM_001285399.3); c.496C>T, p.Leu166Phe (NM_001285400.3); c.562C>T, p.Leu188Phe (NM_001285401.3); c.445C>T, p.Leu149Phe (NM_001285402.2); c.538C>T, p.Leu180Phe (NM_001285403.4); short protein forms L125F, L149F, L166F, L188F, L128F, L176F, L180F.
Identifiers: ClinVar variation 808211 (VCV000808211.50), dbSNP rs146153236, ClinGen allele CA8328470.